The following is an entry in ClinVar:

NM_000124.4(ERCC6):c.431C>T (p.Thr144Met)

Gene: ERCC6 (ERCC excision repair 6, chromatin remodeling factor; minus strand). Cytogenetic location: 10q11.23.
Variant type: single nucleotide variant.
Coding change: c.431C>T on transcript NM_000124.4 (MANE Select); coding-DNA position 431, C replaced by T.
Protein change: p.Thr144Met; replaces threonine 144 with methionine.
Molecular consequence: missense variant.
Genome position (GRCh38, 1-based): chr10:49,530,832, G>A on the plus strand (C>T on the coding strand, the complement: ERCC6 is on the minus strand). VCF-style: chr10-49530832-G-A. GRCh37 (hg19) VCF-style: chr10-50738878-G-A.
Other names: c.431C>T, p.Thr144Met (NM_001277058.2, NM_001277059.2, NM_001346440.2); short protein forms T144M.
Identifiers: ClinVar variation 879447 (VCV000879447.11), dbSNP rs149382642, ClinGen allele CA5496532.

ClinVar aggregate classification (germline): Conflicting classifications of pathogenicity. Review status: criteria provided, conflicting classifications (1 of 4 stars). 5 submissions from 3 submitters: Uncertain significance (2); Likely benign (2). 1 of the submissions does not count toward it. Last evaluated 2026-01-28.

Conditions:
ERCC6-related disorder. Also called: ERCC6-related disorders; ERCC6-related condition. Identifiers: MedGen CN239385.
Age related macular degeneration 5. Identifiers: MedGen C3151063, MONDO:0013409, OMIM 613761.
Cerebrooculofacioskeletal syndrome 1 (COFS1). Also called: Cerebro-oculo-facio-skeletal syndrome 1. Identifiers: MedGen C0220722, MONDO:0008955, OMIM 214150.
Cockayne syndrome type 2 (CSB). Also called: COCKAYNE SYNDROME B; Cockayne Syndrome, Type II. Identifiers: Orphanet 191, Orphanet 90322, MedGen C0751038, MONDO:0019570, OMIM 133540.

Allele frequency attached by ClinVar (database versions not stated): TOPMed 0.00006; gnomAD 0.00007 and 0.00013; ESP Exome Variant Server 0.00008; gnomAD exomes 0.00029; ExAC 0.00035; 1000 Genomes Project 30x 0.00094; 1000 Genomes Project 0.00100.
gnomAD v4.1: 242 of 1,613,190 alleles (0.015%); highest among the groups gnomAD compares: South Asian, 0.18%; 1 homozygote.

Submissions (5):

Labcorp Genetics (formerly Invitae), Labcorp
Classification: Likely benign. Last evaluated: 2026-01-28. Review status: criteria provided, single submitter. Criteria: Invitae Variant Classification Sherloc (09022015). Collection method: clinical testing. Allele origin: germline.

Illumina Laboratory Services, Illumina
Classification: Uncertain significance for Cerebrooculofacioskeletal syndrome 1. Last evaluated: 2018-01-13. Review status: criteria provided, single submitter. Criteria: ICSL Variant Classification Criteria 13 December 2019. Collection method: clinical testing. Allele origin: germline.

Illumina Laboratory Services, Illumina
Classification: Uncertain significance for Cockayne syndrome type 2. Last evaluated: 2018-01-13. Review status: criteria provided, single submitter. Criteria: ICSL Variant Classification Criteria 13 December 2019. Collection method: clinical testing. Allele origin: germline.

Illumina Laboratory Services, Illumina
Classification: Likely benign for Age related macular degeneration 5. Last evaluated: 2018-01-13. Review status: criteria provided, single submitter. Criteria: ICSL Variant Classification Criteria 13 December 2019. Collection method: clinical testing. Allele origin: germline.
Comment: This variant was observed in the ICSL laboratory as part of a predisposition screen in an ostensibly healthy population. It had not been previously curated by ICSL or reported in the Human Gene Mutation Database (HGMD: prior to June 1st, 2018), and was therefore a candidate for classification through an automated scoring system. Utilizing variant allele frequency, disease prevalence and penetrance estimates, and inheritance mode, an automated score was calculated to assess if this variant is too frequent to cause the disease. Based on the score and internal cut-off values, a variant classified as likely benign is not then subjected to further curation. The score for this variant resulted in a classification of likely benign for this disease.

PreventionGenetics, part of Exact Sciences
Classification: Likely benign for ERCC6-related condition. Last evaluated: 2024-09-27. Review status: no assertion criteria provided. Collection method: clinical testing. Allele origin: germline. Not counted in ClinVar's aggregate classification.
Comment: This variant is classified as likely benign based on ACMG/AMP sequence variant interpretation guidelines (Richards et al. 2015 PMID: 25741868, with internal and published modifications).